The following is an entry in ClinVar:

ClinVar aggregate classification (germline): Conflicting classifications of pathogenicity. Review status: criteria provided, conflicting classifications (1 of 4 stars). 4 submissions from 4 submitters: Uncertain significance (2); Benign (1); Likely benign (1). Last evaluated 2025-05-22.

Conditions:
Familial prostate cancer. Also called: Hereditary Prostate Cancer. Identifiers: MedGen C2931456, MONDO:0700275, OMIM 176807.
Familial cancer of breast. Also called: hereditary breast carcinoma; BREAST CANCER, FAMILIAL; Hereditary breast cancer. Identifiers: Orphanet 227535, MedGen C0346153, MONDO:0016419, OMIM 114480. Disease mechanism: loss of function.
Breast-ovarian cancer, familial, susceptibility to, 2 (BROVCA2). Also called: BRCA2 Hereditary Breast and Ovarian Cancer. Identifiers: Orphanet 145, MedGen C2675520, MONDO:0012933, OMIM 612555. Disease mechanism: loss of function.
Medulloblastoma (MDB). Also called: Medulloblastoma, somatic; MEDULLOBLASTOMA PREDISPOSITION SYNDROME. Identifiers: Orphanet 616, MedGen C0025149, MeSH D008527, MONDO:0007959, OMIM 155255, HP:0002885.
Wilms tumor 1 (WT1). Also called: Wilms tumor, somatic. Identifiers: Orphanet 654, MedGen CN033288, MONDO:0008679, OMIM 194070.
Pancreatic cancer, susceptibility to, 2. Identifiers: Orphanet 1333, MedGen C3150546, MONDO:0013235, OMIM 613347.
Glioma susceptibility 3 (GLM3). Also called: Glioblastoma 3. Identifiers: Orphanet 182067, Orphanet 360, MedGen C2751641, MONDO:0013093, OMIM 613029.
Fanconi anemia complementation group D1. Also called: BRCA2-Related Fanconi Anemia. Identifiers: Orphanet 319462, MedGen C1838457, MONDO:0011584, OMIM 605724.
Hereditary cancer-predisposing syndrome. Also called: Hereditary Cancer Syndrome; Tumor predisposition; Neoplastic Syndromes, Hereditary; Hereditary neoplastic syndrome. Identifiers: Orphanet 140162, MedGen C0027672, MeSH D009386, MONDO:0015356.
Hereditary breast ovarian cancer syndrome. Also called: Breast and ovarian cancer; Hereditary breast and ovarian cancer syndrome; BRCA1- and BRCA2-Associated Hereditary Breast and Ovarian Cancer; Hereditary breast and ovarian cancer syndrome (HBOC); Hereditary breast and/or ovarian cancer syndrome; Hereditary breast and ovarian cancer. Identifiers: Orphanet 145, MedGen C0677776, MeSH D061325, MONDO:0003582. Disease mechanism: loss of function.

Submissions (4):

Ambry Genetics
Classification: Benign for Hereditary cancer-predisposing syndrome. Last evaluated: 2025-05-22. Review status: criteria provided, single submitter. Criteria: Ambry Variant Classification Scheme 2023. Collection method: clinical testing. Allele origin: germline.

Myriad Genetics, Inc.
Classification: Likely benign for Breast-ovarian cancer, familial, susceptibility to, 2. Last evaluated: 2025-04-24. Review status: criteria provided, single submitter. Criteria: Myriad Autosomal Dominant, Autosomal Recessive and X-Linked Classification Criteria (2023). Collection method: clinical testing. Allele origin: unknown.
Comment: This variant is considered likely benign. This variant is strongly associated with less severe personal and family histories of cancer, typical for individuals without pathogenic variants in this gene [PMID: 25085752].

Labcorp Genetics (formerly Invitae), Labcorp
Classification: Uncertain significance for Hereditary breast ovarian cancer syndrome. Last evaluated: 2024-06-09. Review status: criteria provided, single submitter. Criteria: Invitae Variant Classification Sherloc (09022015). Collection method: clinical testing. Allele origin: germline.
Comment: This sequence change replaces asparagine, which is neutral and polar, with aspartic acid, which is acidic and polar, at codon 2931 of the BRCA2 protein (p.Asn2931Asp). This variant is not present in population databases (gnomAD no frequency). This variant has not been reported in the literature in individuals affected with BRCA2-related conditions. ClinVar contains an entry for this variant (Variation ID: 441469). Advanced modeling of protein sequence and biophysical properties (such as structural, functional, and spatial information, amino acid conservation, physicochemical variation, residue mobility, and thermodynamic stability) performed at Invitae indicates that this missense variant is not expected to disrupt BRCA2 protein function with a negative predictive value of 95%. In summary, the available evidence is currently insufficient to determine the role of this variant in disease. Therefore, it has been classified as a Variant of Uncertain Significance.

Fulgent Genetics
Classification: Uncertain significance for Familial cancer of breast; Medulloblastoma; Familial prostate cancer; Wilms tumor 1; Fanconi anemia complementation group D1; Breast-ovarian cancer, familial, susceptibility to, 2; Glioma susceptibility 3; Pancreatic cancer, susceptibility to, 2. Last evaluated: 2024-01-24. Review status: criteria provided, single submitter. Criteria: ACMG Guidelines, 2015. Collection method: clinical testing. Allele origin: germline.

Literature cited by the submitters: PubMed 20694749 (cited by Ambry Genetics); PubMed 29884841 (cited by Ambry Genetics); PubMed 25085752 (cited by Myriad Genetics, Inc.).

NM_000059.4(BRCA2):c.8791A>G (p.Asn2931Asp)

Gene: BRCA2 (BRCA2 DNA repair associated; plus strand). Cytogenetic location: 13q13.1.
Variant type: single nucleotide variant.
Coding change: c.8791A>G on transcript NM_000059.4 (MANE Select); coding-DNA position 8791, A replaced by G.
Protein change: p.Asn2931Asp; replaces asparagine 2931 with aspartic acid.
Molecular consequence: missense variant.
Genome position (GRCh38, 1-based): chr13:32,379,353, A>G. VCF-style: chr13-32379353-A-G. GRCh37 (hg19) VCF-style: chr13-32953490-A-G.
Other names: short protein forms N2931D.
Identifiers: ClinVar variation 441469 (VCV000441469.15), dbSNP rs895758995, ClinGen allele CA247493100.